The following is an entry in ClinVar:

NM_005333.5(HCCS):c.404G>A (p.Trp135Ter)

Gene: HCCS (holocytochrome c synthase; plus strand). Cytogenetic location: Xp22.2.
Variant type: single nucleotide variant.
Coding change: c.404G>A on transcript NM_005333.5 (MANE Select); coding-DNA position 404, G replaced by A.
Protein change: p.Trp135Ter; replaces tryptophan 135 with a stop codon.
Molecular consequence: nonsense.
Genome position (GRCh38, 1-based): chrX:11,118,503, G>A. VCF-style: chrX-11118503-G-A. GRCh37 (hg19) VCF-style: chrX-11136623-G-A.
Other names: c.404G>A, p.Trp135Ter (NM_001122608.3, NM_001171991.3); short protein forms W135*.
Identifiers: ClinVar variation 3390915 (VCV003390915.2).

ClinVar aggregate classification (germline): Likely pathogenic. Review status: criteria provided, multiple submitters, no conflicts (2 of 4 stars). 2 submissions from 2 submitters: Likely pathogenic (2). Last evaluated 2024-11-12.

Conditions:
HCCS-related disorders.
Linear skin defects with multiple congenital anomalies 1 (LSDMCA1). Also called: MLS syndrome; Microphthalmia with Linear Skin Defects Syndrome; MIDAS SYNDROME. Identifiers: Orphanet 2556, MedGen C0796070, MONDO:0024552, OMIM 309801.

Submissions (2):

Genomics, Genetics and Epigenetics Laboratory, Medical College of Wisconsin
Classification: Likely pathogenic for Linear skin defects with multiple congenital anomalies 1. Last evaluated: 2024-11-12. Review status: criteria provided, single submitter. Criteria: ACMG Guidelines, 2015. Collection method: research. Allele origin: unknown. Affected: yes.
Comment: The NM_005333.5:c.404G>A generates a premature stop codon with the truncated transcript expected to be subject to nonsense mediated decay. Loss-of-function alleles are known to cause MLS. The variant is absent in gnomAD v4.1.0.

Blueprint Genetics
Classification: Likely pathogenic for HCCS-related disorders. Last evaluated: 2018-02-15. Review status: criteria provided, single submitter. Criteria: ACMG Guidelines, 2015. Collection method: clinical testing. Allele origin: germline. Affected: yes. Observed: 1 variant allele.